The following is an entry in ClinVar:

ClinVar aggregate classification (germline): Likely pathogenic (1 of 4 stars; one submission).

gnomAD v4.1: 10 of 1,613,840 alleles (0.00062%); highest among the groups gnomAD compares: South Asian, 0.0011%; no homozygotes.

Submission:

GeneDx
Classification: Likely pathogenic. Last evaluated: 2026-08-25. Review status: criteria provided, single submitter. Criteria: GeneDx Variant Classification Process June 2021. Collection method: clinical testing. Allele origin: germline.
Comment: Nonsense variant predicted to result in protein truncation or nonsense mediated decay in a gene for which loss of function is a known mechanism of disease; This variant is associated with the following publications: (PMID: 32860223)

NM_005422.4(TECTA):c.4909C>T (p.Arg1637Ter)

Genes: TBCEL-TECTA (TBCEL-TECTA readthrough; plus strand), TECTA (tectorin alpha; plus strand). Cytogenetic location: 11q23.3.
Variant type: single nucleotide variant.
Coding change: c.4909C>T on transcript NM_005422.4 (MANE Select); coding-DNA position 4909, C replaced by T.
Protein change: p.Arg1637Ter; replaces arginine 1637 with a stop codon.
Molecular consequence: nonsense.
Genome position (GRCh38, 1-based): chr11:121,160,354, C>T. VCF-style: chr11-121160354-C-T. GRCh37 (hg19) VCF-style: chr11-121031063-C-T.
Other names: c.5866C>T, p.Arg1956Ter (NM_001378761.1); short protein forms R1637*, R1956*.
Identifiers: ClinVar variation 4086479 (VCV004086479.2).